The following is an entry in ClinVar:

ClinVar aggregate classification (germline): Uncertain significance (1 of 4 stars; one submission).

Allele frequency attached by ClinVar (database versions not stated): ExAC 0.00001; gnomAD exomes 0.00001.
gnomAD v4.1: 11 of 1,612,706 alleles (0.00068%); highest among the groups gnomAD compares: Non-Finnish European, 0.00093%; no homozygotes.

Submission:

Labcorp Genetics (formerly Invitae), Labcorp
Classification: Uncertain significance. Last evaluated: 2022-03-04. Review status: criteria provided, single submitter. Criteria: Invitae Variant Classification Sherloc (09022015). Collection method: clinical testing. Allele origin: germline.
Comment: In summary, the available evidence is currently insufficient to determine the role of this variant in disease. Therefore, it has been classified as a Variant of Uncertain Significance. Algorithms developed to predict the effect of missense changes on protein structure and function are either unavailable or do not agree on the potential impact of this missense change (SIFT: "Deleterious"; PolyPhen-2: "Benign"; Align-GVGD: "Class C0"). This variant has not been reported in the literature in individuals affected with TRIM8-related conditions. This variant is present in population databases (rs758962280, gnomAD 0.002%). This sequence change replaces glutamine, which is neutral and polar, with arginine, which is basic and polar, at codon 227 of the TRIM8 protein (p.Gln227Arg).

NM_030912.3(TRIM8):c.680A>G (p.Gln227Arg)

Gene: TRIM8 (tripartite motif containing 8; plus strand). Cytogenetic location: 10q24.32.
Variant type: single nucleotide variant.
Coding change: c.680A>G on transcript NM_030912.3 (MANE Select); coding-DNA position 680, A replaced by G.
Protein change: p.Gln227Arg; replaces glutamine 227 with arginine.
Molecular consequence: missense variant. On other transcripts: non-coding transcript variant (1).
Genome position (GRCh38, 1-based): chr10:102,655,093, A>G. VCF-style: chr10-102655093-A-G. GRCh37 (hg19) VCF-style: chr10-104414850-A-G.
Other names: c.584A>G, p.Gln195Arg (NM_001345950.1); short protein forms Q195R, Q227R.
Identifiers: ClinVar variation 1951729 (VCV001951729.5), dbSNP rs758962280, ClinGen allele CA5668149.